The following is an entry in ClinVar:

NM_020166.5(MCCC1):c.1630A>G (p.Arg544Gly)

Gene: MCCC1 (methylcrotonyl-CoA carboxylase subunit 1; minus strand). Cytogenetic location: 3q27.1.
Variant type: single nucleotide variant.
Coding change: c.1630A>G on transcript NM_020166.5 (MANE Select); coding-DNA position 1630, A replaced by G.
Protein change: p.Arg544Gly; replaces arginine 544 with glycine.
Molecular consequence: missense variant. On other transcripts: non-coding transcript variant (2).
Genome position (GRCh38, 1-based): chr3:183,034,042, T>C on the plus strand (A>G on the coding strand, the complement: MCCC1 is on the minus strand). VCF-style: chr3-183034042-T-C. GRCh37 (hg19) VCF-style: chr3-182751830-T-C.
Other names: c.1279A>G, p.Arg427Gly (NM_001293273.2); c.1303A>G, p.Arg435Gly (NM_001363880.1); short protein forms R427G, R435G, R544G.
Identifiers: ClinVar variation 2113023 (VCV002113023.4), dbSNP rs2530102043, ClinGen allele CA355318420.

ClinVar aggregate classification (germline): Uncertain significance (1 of 4 stars; one submission).

Conditions:
3-methylcrotonyl-CoA carboxylase 1 deficiency (MCC1D). Also called: MCC 1 deficiency; 3 Alpha methylcrotonylglycinuria 1; MCCD TYPE 1; METHYLCROTONYLGLYCINURIA TYPE I. Identifiers: Orphanet 6, MedGen CN028786, MONDO:0008861, OMIM 210200.

Submission:

Labcorp Genetics (formerly Invitae), Labcorp
Classification: Uncertain significance for 3-methylcrotonyl-CoA carboxylase 1 deficiency. Last evaluated: 2022-03-16. Review status: criteria provided, single submitter. Criteria: Invitae Variant Classification Sherloc (09022015). Collection method: clinical testing. Allele origin: germline.
Comment: In summary, the available evidence is currently insufficient to determine the role of this variant in disease. Therefore, it has been classified as a Variant of Uncertain Significance. Algorithms developed to predict the effect of missense changes on protein structure and function (SIFT, PolyPhen-2, Align-GVGD) all suggest that this variant is likely to be disruptive. This variant has not been reported in the literature in individuals affected with MCCC1-related conditions. This variant is not present in population databases (gnomAD no frequency). This sequence change replaces arginine, which is basic and polar, with glycine, which is neutral and non-polar, at codon 544 of the MCCC1 protein (p.Arg544Gly).